The following is an entry in ClinVar:

ClinVar aggregate classification (germline): Uncertain significance (1 of 4 stars; one submission).

Submission:

Labcorp Genetics (formerly Invitae), Labcorp
Classification: Uncertain significance. Last evaluated: 2022-07-05. Review status: criteria provided, single submitter. Criteria: Invitae Variant Classification Sherloc (09022015). Collection method: clinical testing. Allele origin: germline.
Comment: ClinVar contains an entry for this variant (Variation ID: 1416818). This variant has not been reported in the literature in individuals affected with CD81-related conditions. This variant is not present in population databases (gnomAD no frequency). This sequence change replaces leucine, which is neutral and non-polar, with arginine, which is basic and polar, at codon 131 of the CD81 protein (p.Leu131Arg). Algorithms developed to predict the effect of missense changes on protein structure and function are either unavailable or do not agree on the potential impact of this missense change (SIFT: "Tolerated"; PolyPhen-2: "Possibly Damaging"; Align-GVGD: "Class C0"). In summary, the available evidence is currently insufficient to determine the role of this variant in disease. Therefore, it has been classified as a Variant of Uncertain Significance.

NM_004356.4(CD81):c.392T>G (p.Leu131Arg)

Gene: CD81 (CD81 molecule; plus strand). Cytogenetic location: 11p15.5.
Variant type: single nucleotide variant.
Coding change: c.392T>G on transcript NM_004356.4 (MANE Select); coding-DNA position 392, T replaced by G.
Protein change: p.Leu131Arg; replaces leucine 131 with arginine.
Molecular consequence: missense variant.
Genome position (GRCh38, 1-based): chr11:2,395,453, T>G. VCF-style: chr11-2395453-T-G. GRCh37 (hg19) VCF-style: chr11-2416683-T-G.
Other names: c.179T>G, p.Leu60Arg (NM_001297649.2); short protein forms L131R, L60R.
Identifiers: ClinVar variation 1416818 (VCV001416818.6), dbSNP rs2133465047, ClinGen allele CA379124349.